The following is an entry in ClinVar:

ClinVar aggregate classification (germline): Uncertain significance (1 of 4 stars; one submission).

Conditions:
Oligodontia-cancer predisposition syndrome. Also called: TOOTH AGENESIS-COLORECTAL CANCER SYNDROME. Identifiers: Orphanet 300576, MedGen C1837750, MONDO:0012075, OMIM 608615. Disease mechanism: loss of function.

Submission:

Labcorp Genetics (formerly Invitae), Labcorp
Classification: Uncertain significance for Oligodontia-cancer predisposition syndrome. Last evaluated: 2020-03-29. Review status: criteria provided, single submitter. Criteria: Invitae Variant Classification Sherloc (09022015). Collection method: clinical testing. Allele origin: germline.
Comment: In summary, the available evidence is currently insufficient to determine the role of this variant in disease. Therefore, it has been classified as a Variant of Uncertain Significance. Algorithms developed to predict the effect of missense changes on protein structure and function are either unavailable or do not agree on the potential impact of this missense change (SIFT: "Deleterious"; PolyPhen-2: "Probably Damaging"; Align-GVGD: "Class C0"). This variant has not been reported in the literature in individuals with AXIN2-related conditions. This variant is not present in population databases (ExAC no frequency). This sequence change replaces alanine with proline at codon 92 of the AXIN2 protein (p.Ala92Pro). The alanine residue is highly conserved and there is a small physicochemical difference between alanine and proline.

NM_004655.4(AXIN2):c.274G>C (p.Ala92Pro)

Gene: AXIN2 (axin 2; minus strand). Cytogenetic location: 17q24.1.
Variant type: single nucleotide variant.
Coding change: c.274G>C on transcript NM_004655.4 (MANE Select); coding-DNA position 274, G replaced by C.
Protein change: p.Ala92Pro; replaces alanine 92 with proline.
Molecular consequence: missense variant.
Genome position (GRCh38, 1-based): chr17:65,558,347, C>G on the plus strand (G>C on the coding strand, the complement: AXIN2 is on the minus strand). VCF-style: chr17-65558347-C-G. GRCh37 (hg19) VCF-style: chr17-63554465-C-G.
Other names: c.274G>C, p.Ala92Pro (NM_001363813.1); short protein forms A92P.
Identifiers: ClinVar variation 941946 (VCV000941946.9), dbSNP rs2044305046, ClinGen allele CA400681761.
Genomic context (GRCh38, chr17:65,558,347, plus strand): 5'-ACCAGAAGTCTAAGGTATCCACGCATTTCTCCCTCTCCAGGAAAGTTCGGAACAGGTAAG[C>G]ACCGTCTTGATCGCCCAATAAGGAGTGTAAGGACTTGGTCCACCGGGTCAGAGGGGAATC-3'
Protein context (NP_004646.3, residues 82-102): LHSLLGDQDG[Ala92Pro]YLFRTFLERE